The following is an entry in ClinVar:

ClinVar aggregate classification (germline): Conflicting classifications of pathogenicity. Review status: criteria provided, conflicting classifications (1 of 4 stars). 2 submissions from 2 submitters: Uncertain significance (1); Likely benign (1). Last evaluated 2025-02-16.

Allele frequency attached by ClinVar (database versions not stated): TOPMed 0.00003; ESP Exome Variant Server 0.00008; gnomAD exomes 0.00001; ExAC 0.00002; gnomAD 0.00002.
gnomAD v4.1: 17 of 1,595,596 alleles (0.0011%); highest among the groups gnomAD compares: African/African-American, 0.0082%; no homozygotes.

Submissions (2):

Laboratory of Genetics, Children's Clinical University Hospital Latvia
Classification: Likely benign. Last evaluated: 2025-02-16. Review status: criteria provided, single submitter. Criteria: ACMG Guidelines, 2015. Collection method: clinical testing. Allele origin: germline. Affected: yes.

Labcorp Genetics (formerly Invitae), Labcorp
Classification: Uncertain significance. Last evaluated: 2023-02-16. Review status: criteria provided, single submitter. Criteria: Invitae Variant Classification Sherloc (09022015). Collection method: clinical testing. Allele origin: germline.
Comment: In summary, the available evidence is currently insufficient to determine the role of this variant in disease. Therefore, it has been classified as a Variant of Uncertain Significance. Advanced modeling of protein sequence and biophysical properties (such as structural, functional, and spatial information, amino acid conservation, physicochemical variation, residue mobility, and thermodynamic stability) performed at Invitae indicates that this missense variant is not expected to disrupt NFE2L2 protein function. This sequence change replaces proline, which is neutral and non-polar, with leucine, which is neutral and non-polar, at codon 128 of the NFE2L2 protein (p.Pro128Leu). This variant is present in population databases (rs368680070, gnomAD 0.009%). This variant has not been reported in the literature in individuals affected with NFE2L2-related conditions.

NM_006164.5(NFE2L2):c.383C>T (p.Pro128Leu)

Gene: NFE2L2 (NFE2 like bZIP transcription factor 2; minus strand). Cytogenetic location: 2q31.2.
Variant type: single nucleotide variant.
Coding change: c.383C>T on transcript NM_006164.5 (MANE Select); coding-DNA position 383, C replaced by T.
Protein change: p.Pro128Leu; replaces proline 128 with leucine.
Molecular consequence: missense variant. On other transcripts: intron variant (1).
Genome position (GRCh38, 1-based): chr2:177,233,269, G>A on the plus strand (C>T on the coding strand, the complement: NFE2L2 is on the minus strand). VCF-style: chr2-177233269-G-A. GRCh37 (hg19) VCF-style: chr2-178097997-G-A.
Other names: c.335C>T, p.Pro112Leu (NM_001145412.3, NM_001145413.3, NM_001313900.1 and 1 more transcripts); c.164C>T, p.Pro55Leu (NM_001313903.2); c.83C>T, p.Pro28Leu (NM_001313904.1); c.313-686C>T (NM_001313902.2); short protein forms P55L, P112L, P128L, P28L.
Identifiers: ClinVar variation 2888089 (VCV002888089.4), dbSNP rs368680070, ClinGen allele CA1979898.